The following is an entry in ClinVar:

ClinVar aggregate classification (germline): Uncertain significance. Review status: criteria provided, multiple submitters, no conflicts (2 of 4 stars). 2 submissions from 2 submitters: Uncertain significance (2). Last evaluated 2025-08-21.

Conditions:
Inborn genetic diseases. Identifiers: MedGen C0950123, MeSH D030342.

Allele frequency attached by ClinVar (database versions not stated): TOPMed 0.00002; ExAC 0.00004; gnomAD exomes 0.00001 and 0.00008.

Submissions (2):

Labcorp Genetics (formerly Invitae), Labcorp
Classification: Uncertain significance. Last evaluated: 2025-08-21. Review status: criteria provided, single submitter. Criteria: Invitae Variant Classification Sherloc (09022015). Collection method: clinical testing. Allele origin: germline.
Comment: This sequence change replaces leucine, which is neutral and non-polar, with serine, which is neutral and polar, at codon 143 of the TNFRSF11A protein (p.Leu143Ser). This variant is present in population databases (rs757239013, gnomAD 0.1%). This variant has not been reported in the literature in individuals affected with TNFRSF11A-related conditions. ClinVar contains an entry for this variant (Variation ID: 1466928). An algorithm developed to predict the effect of missense changes on protein structure and function (PolyPhen-2) suggests that this variant is likely to be disruptive. In summary, the available evidence is currently insufficient to determine the role of this variant in disease. Therefore, it has been classified as a Variant of Uncertain Significance.

Ambry Genetics
Classification: Uncertain significance for Inborn genetic diseases. Last evaluated: 2023-06-29. Review status: criteria provided, single submitter. Criteria: Ambry Variant Classification Scheme 2023. Collection method: clinical testing. Allele origin: germline.

NM_003839.4(TNFRSF11A):c.428T>C (p.Leu143Ser)

Gene: TNFRSF11A (TNF receptor superfamily member 11a; plus strand). Cytogenetic location: 18q21.33.
Variant type: single nucleotide variant.
Coding change: c.428T>C on transcript NM_003839.4 (MANE Select); coding-DNA position 428, T replaced by C.
Protein change: p.Leu143Ser; replaces leucine 143 with serine.
Molecular consequence: missense variant. On other transcripts: intron variant (1).
Genome position (GRCh38, 1-based): chr18:62,358,248, T>C. VCF-style: chr18-62358248-T-C. GRCh37 (hg19) VCF-style: chr18-60025481-T-C.
Other names: c.428T>C (NM_003839.2); c.428T>C, p.Leu143Ser (NM_001270949.2, NM_001270950.2, NM_001270951.2); c.428-42T>C (NM_001278268.2); short protein forms L143S.
Identifiers: ClinVar variation 1466928 (VCV001466928.8), dbSNP rs757239013, ClinGen allele CA8983765.
Genomic context (GRCh38, chr18:62,358,248, plus strand): 5'-GTGACCTCGTTTGTTTTTTGTTTGTTCTGTCTGGGTTGTTTTTTTTTTTTTTTCTCACAG[T>C]GCAGCTCAACAAGGACACAGTGTGCAAACCTTGCCTTGCAGGCTACTTCTCTGATGCCTT-3'
Protein context (NP_003830.1, residues 133-153): CAPGLGAQHP[Leu143Ser]QLNKDTVCKP